The following is an entry in ClinVar:

NM_152594.3(SPRED1):c.685-3_685-2insTTTTTTTTTTTTTTTTTTTTNNNNNNNNNNCTGACCTCATGATCCACCCGCCTCGGCCTCCCAAAGTGCTGGGATTACAGGCGTGAGCCACCGCGCCCGGCCTATCTGTTTCTTTTTT

Gene: SPRED1 (sprouty related EVH1 domain containing 1; plus strand). Cytogenetic location: 15q14.
Variant type: Insertion.
Coding change: c.685-3_685-2insTTTTTTTTTTTTTTTTTTTTNNNNNNNNNNCTGACCTCATGATCCACCCGCCTCGGCCTCCCAAAGTGCTGGGATTACAGGCGTGAGCCACCGCGCCCGGCCTATCTGTTTCTTTTTT on transcript NM_152594.3 (MANE Select); 3 bases into the intron before coding-DNA position 685 through the canonical splice acceptor site of the intron before coding-DNA position 685, TTTTTTTTTTTTTTTTTTTTNNNNNNNNNNCTGACCTCATGATCCACCCGCCTCGGCCTCCCAAAGTGCTGGGATTACAGGCGTGAGCCACCGCGCCCGGCCTATCTGTTTCTTTTTT inserted.
Molecular consequence: intron variant.
Genome position: GRCh38: chr15:38,351,011-38,351,012. GRCh37 (hg19): chr15:38,643,212-38,643,213.
Identifiers: ClinVar variation 2113140 (VCV002113140.4), dbSNP rs2542742264.

ClinVar aggregate classification (germline): Uncertain significance (1 of 4 stars; one submission).

Conditions:
Legius syndrome. Identifiers: Orphanet 137605, MedGen C1969623, MONDO:0012669, OMIM 611431. Disease mechanism: loss of function.

Submission:

Labcorp Genetics (formerly Invitae), Labcorp
Classification: Uncertain significance for Legius syndrome. Last evaluated: 2022-03-16. Review status: criteria provided, single submitter. Criteria: Invitae Variant Classification Sherloc (09022015). Collection method: clinical testing. Allele origin: germline.
Comment: This sequence change falls in intron 6 of the SPRED1 gene. It does not directly change the encoded amino acid sequence of the SPRED1 protein. This sequence change affects the splice site and inserts a large fragment of DNA, likely a transposable element, in intron 6 of the SPRED1 gene. This variant is not present in population databases (gnomAD no frequency). This variant has not been reported in the literature in individuals affected with SPRED1-related conditions. Variants that disrupt the consensus splice site are a relatively common cause of aberrant splicing (PMID: 17576681, 9536098). Algorithms developed to predict the effect of sequence changes on RNA splicing suggest that this variant may disrupt the consensus splice site. In summary, the available evidence is currently insufficient to determine the role of this variant in disease. Therefore, it has been classified as a Variant of Uncertain Significance.

Literature cited by the submitters: PubMed 17576681; PubMed 9536098.